The following is an entry in ClinVar:

ClinVar aggregate classification (germline): Conflicting classifications of pathogenicity. Review status: criteria provided, conflicting classifications (1 of 4 stars). 4 submissions from 4 submitters: Uncertain significance (3); Likely benign (1). Last evaluated 2025-11-24.

Conditions:
Cardiovascular phenotype. Identifiers: MedGen CN230736.
Catecholaminergic polymorphic ventricular tachycardia 1. Also called: VENTRICULAR TACHYCARDIA, STRESS-INDUCED POLYMORPHIC 1; RYR2-Related Catecholaminergic Polymorphic Ventricular Tachycardia; VENTRICULAR TACHYCARDIA, CATECHOLAMINERGIC POLYMORPHIC, 1, WITH OR WITHOUT ATRIAL DYSFUNCTION AND/OR DILATED CARDIOMYOPATHY. Identifiers: Orphanet 3286, MedGen C1631597, MONDO:0011484, OMIM 604772.

Allele frequency attached by ClinVar (database versions not stated): gnomAD exomes 0.00001 and 0.00002; gnomAD 0.00005; TOPMed 0.00005.
gnomAD v4.1: 46 of 1,612,870 alleles (0.0029%); highest among the groups gnomAD compares: Non-Finnish European, 0.0036%; no homozygotes.

Submissions (4):

Labcorp Genetics (formerly Invitae), Labcorp
Classification: Uncertain significance for Catecholaminergic polymorphic ventricular tachycardia 1. Last evaluated: 2025-11-24. Review status: criteria provided, single submitter. Criteria: Invitae Variant Classification Sherloc (09022015). Collection method: clinical testing. Allele origin: germline.
Comment: This sequence change replaces threonine, which is neutral and polar, with proline, which is neutral and non-polar, at codon 426 of the TRDN protein (p.Thr426Pro). This variant is present in population databases (no rsID available, gnomAD 0.002%). This variant has not been reported in the literature in individuals affected with TRDN-related conditions. ClinVar contains an entry for this variant (Variation ID: 532313). An algorithm developed to predict the effect of missense changes on protein structure and function (PolyPhen-2) suggests that this variant is likely to be disruptive. In summary, the available evidence is currently insufficient to determine the role of this variant in disease. Therefore, it has been classified as a Variant of Uncertain Significance.

Ambry Genetics
Classification: Likely benign for Cardiovascular phenotype. Last evaluated: 2025-05-14. Review status: criteria provided, single submitter. Criteria: Ambry Variant Classification Scheme 2023. Collection method: clinical testing. Allele origin: germline.

GeneDx
Classification: Uncertain significance. Last evaluated: 2022-04-20. Review status: criteria provided, single submitter. Criteria: GeneDx Variant Classification Process June 2021. Collection method: clinical testing. Allele origin: germline. Affected: yes.
Comment: Has not been previously published as pathogenic or benign to our knowledge; Not observed at significant frequency in large population cohorts (gnomAD); In silico analysis supports that this missense variant does not alter protein structure/function

Blueprint Genetics
Classification: Uncertain significance. Last evaluated: 2022-03-22. Review status: criteria provided, single submitter. Criteria: ACMG Guidelines, 2015. Collection method: clinical testing. Allele origin: germline.

NM_006073.4(TRDN):c.1276A>C (p.Thr426Pro)

Gene: TRDN (triadin; minus strand). Cytogenetic location: 6q22.31.
Variant type: single nucleotide variant.
Coding change: c.1276A>C on transcript NM_006073.4 (MANE Select); coding-DNA position 1276, A replaced by C.
Protein change: p.Thr426Pro; replaces threonine 426 with proline.
Molecular consequence: missense variant.
Genome position (GRCh38, 1-based): chr6:123,366,180, T>G on the plus strand (A>C on the coding strand, the complement: TRDN is on the minus strand). VCF-style: chr6-123366180-T-G. GRCh37 (hg19) VCF-style: chr6-123687325-T-G.
Other names: c.1279A>C, p.Thr427Pro (NM_001251987.2); short protein forms T426P, T427P.
Identifiers: ClinVar variation 532313 (VCV000532313.14), dbSNP rs1040336692, ClinGen allele CA147256172.